The following is an entry in ClinVar:

ClinVar aggregate classification (germline): Pathogenic (1 of 4 stars; one submission).

Conditions:
Hereditary cancer-predisposing syndrome. Also called: Neoplastic Syndromes, Hereditary; Tumor predisposition; Hereditary neoplastic syndrome; Hereditary Cancer Syndrome. Identifiers: Orphanet 140162, MedGen C0027672, MeSH D009386, MONDO:0015356.

Submission:

Ambry Genetics
Classification: Pathogenic for Hereditary cancer-predisposing syndrome. Last evaluated: 2026-06-24. Review status: criteria provided, single submitter. Criteria: Ambry Variant Classification Scheme 2023. Collection method: clinical testing. Allele origin: germline.
Comment: The c.5828delA pathogenic mutation, located in coding exon 38 of the ATM gene, results from a deletion of one nucleotide at nucleotide position 5828, causing a translational frameshift with a predicted alternate stop codon (p.K1943Rfs*2). This variant is considered to be rare based on population cohorts in the Genome Aggregation Database (gnomAD). This alteration is expected to result in loss of function by premature protein truncation or nonsense-mediated mRNA decay. As such, this alteration is interpreted as a disease-causing mutation.

NM_000051.4(ATM):c.5828del (p.Lys1943fs)

Genes: ATM (ATM serine/threonine kinase; plus strand), C11orf65 (chromosome 11 open reading frame 65; minus strand). Cytogenetic location: 11q22.3.
Variant type: Deletion.
Coding change: c.5828del on transcript NM_000051.4 (MANE Select); coding-DNA position 5828, one base deleted (A; older notation c.5828delA).
Protein change: p.Lys1943fs; shifts the reading frame from lysine 1943.
Molecular consequence: frameshift variant. On other transcripts: intron variant (2).
Genome position (GRCh38, 1-based): chr11:108,310,225, A deleted; the last of 2 consecutive A bases (chr11:108,310,224-108,310,225); deleting either gives the same sequence. VCF-style (leftmost placement, unchanged base first): chr11-108310223-CA-C. GRCh37 (hg19) VCF-style: chr11-108180950-CA-C.
Other names: c.5828del, p.Lys1943fs (NM_001351834.2); c.641-1153del (NM_001330368.2); c.*39-1153del (NM_001351110.2); short protein forms K1943fs.
Identifiers: ClinVar variation 5031163 (VCV005031163.1).